The following is an entry in ClinVar:

ClinVar aggregate classification (germline): Pathogenic/Likely pathogenic. Review status: criteria provided, multiple submitters, no conflicts (2 of 4 stars). 2 submissions from 2 submitters: Pathogenic (1); Likely pathogenic (1). Last evaluated 2025-07-03.

Conditions:
Familial ovarian cancer. Identifiers: MedGen C5679802, MONDO:0016248.
Fanconi anemia complementation group J. Also called: BRIP1-Related Fanconi Anemia. Identifiers: Orphanet 84, MedGen C1836860, MONDO:0012187, OMIM 609054.
Familial cancer of breast. Also called: BREAST CANCER, FAMILIAL; hereditary breast carcinoma; Hereditary breast cancer. Identifiers: Orphanet 227535, MedGen C0346153, MONDO:0016419, OMIM 114480. Disease mechanism: loss of function.

Submissions (2):

Victorian Clinical Genetics Services, Murdoch Childrens Research Institute
Classification: Pathogenic for Familial ovarian cancer. Last evaluated: 2025-07-03. Review status: criteria provided, single submitter. Criteria: ACMG Guidelines, 2015. Collection method: clinical testing. Allele origin: germline.
Comment: This variant is classified as Pathogenic. Evidence in support of pathogenic classification: Variant is predicted to result in a truncated protein (premature termination codon is NOT located at least 54 nucleotides upstream of the final exon-exon junction) with less than 1/3 of the protein sequence affected; Variant is absent from gnomAD (v2, v3 and v4); Other truncating variants comparable to the one identified in this case have very strong previous evidence for pathogenicity (DECIPHER) Additional information: This variant is heterozygous; This gene is associated with both recessive and dominant disease. Biallelic pathogenic variants are associated with complementation group J Fanconi anaemia (MIM#609054), while monoallelic pathogenic variants are associated with increased susceptibility to familial ovarian cancer, (MONDO:0016248), BRIP1-related; This variant has no previous evidence of pathogenicity; No published functional evidence has been identified for this variant; Loss of function is a known mechanism of disease in this gene and is associated with complementation group J Fanconi anaemia (MIM#609054), susceptibility to early-onset breast cancer (MIM#114480), and susceptibility to familial ovarian cancer (MONDO: 0016248), BRIP1-related (National Comprehensive Cancer Network guidelines).

Fulgent Genetics
Classification: Likely pathogenic for Familial cancer of breast; Fanconi anemia complementation group J. Last evaluated: 2024-05-15. Review status: criteria provided, single submitter. Criteria: ACMG Guidelines, 2015. Collection method: clinical testing. Allele origin: germline.

NM_032043.3(BRIP1):c.3116del (p.Glu1039fs)

Gene: BRIP1 (BRCA1 interacting DNA helicase 1; minus strand). Cytogenetic location: 17q23.2.
Variant type: Deletion.
Coding change: c.3116del on transcript NM_032043.3 (MANE Select); coding-DNA position 3116, one base deleted (A; older notation c.3116delA).
Protein change: p.Glu1039fs; shifts the reading frame from glutamic acid 1039.
Molecular consequence: frameshift variant.
Genome position (GRCh38, 1-based): chr17:61,683,930, T deleted on the plus strand (A on the coding strand, the reverse complement: BRIP1 is on the minus strand). VCF-style (leftmost placement, unchanged base first): chr17-61683929-CT-C. GRCh37 (hg19) VCF-style: chr17-59761290-CT-C.
Other names: short protein forms E1039fs.
Identifiers: ClinVar variation 3582394 (VCV003582394.3).